The following is an entry in ClinVar:

ClinVar aggregate classification (germline): Pathogenic (1 of 4 stars; one submission).

Conditions:
Polyglucosan body myopathy type 2. Identifiers: Orphanet 456369, MedGen C4015452, MONDO:0014526, OMIM 616199.
Glycogen storage disease XV (GSD15). Also called: GLYCOGENIN DEFICIENCY; GSD XV. Identifiers: Orphanet 263297, MedGen C3150754, MONDO:0013291, OMIM 613507.

Submission:

Labcorp Genetics (formerly Invitae), Labcorp
Classification: Pathogenic for Polyglucosan body myopathy type 2; Glycogen storage disease XV. Last evaluated: 2025-11-10. Review status: criteria provided, single submitter. Criteria: Invitae Variant Classification Sherloc (09022015). Collection method: clinical testing. Allele origin: germline.
Comment: This sequence change creates a premature translational stop signal (p.Glu118Argfs*12) in the GYG1 gene. It is expected to result in an absent or disrupted protein product. Loss-of-function variants in GYG1 are known to be pathogenic (PMID: 20357282, 25272951). This variant is present in population databases (rs753901064, gnomAD 0.002%). This variant has not been reported in the literature in individuals affected with GYG1-related conditions. For these reasons, this variant has been classified as Pathogenic.

Literature cited by the submitters: PubMed 20357282; PubMed 25272951.

NM_004130.4(GYG1):c.352_353del (p.Glu118fs)

Gene: GYG1 (glycogenin 1; plus strand). Cytogenetic location: 3q24.
Variant type: Microsatellite.
Coding change: c.352_353del on transcript NM_004130.4 (MANE Select); coding-DNA positions 352 to 353, 2 bases deleted (GA; older notation c.352_353delGA).
Protein change: p.Glu118fs; shifts the reading frame from glutamic acid 118.
Molecular consequence: frameshift variant.
Genome position (GRCh38, 1-based): chr3:148,996,775-148,996,776, GA deleted; deleting any 2 consecutive bases within chr3:148,996,772-148,996,776 gives the same sequence; the c. name uses the placement nearest the transcript's 3' end. VCF-style (leftmost placement, unchanged base first): chr3-148996771-CAG-C. GRCh37 (hg19) VCF-style: chr3-148714558-CAG-C.
Other names: c.352_353del, p.Glu118fs (NM_001184720.2, NM_001184721.2); short protein forms E118fs.
Identifiers: ClinVar variation 2048341 (VCV002048341.4), dbSNP rs753901064, ClinGen allele CA2658545.